The following is an entry in ClinVar:

NM_003060.4(SLC22A5):c.1450+1G>A

Gene: SLC22A5 (solute carrier family 22 member 5; plus strand). Cytogenetic location: 5q31.1.
Variant type: single nucleotide variant.
Coding change: c.1450+1G>A on transcript NM_003060.4 (MANE Select); the canonical splice donor site of the intron after coding-DNA position 1450, G replaced by A.
Molecular consequence: splice donor variant.
Genome position (GRCh38, 1-based): chr5:132,392,616, G>A. VCF-style: chr5-132392616-G-A. GRCh37 (hg19) VCF-style: chr5-131728308-G-A.
Other names: c.1522+1G>A (NM_001308122.2).
Identifiers: ClinVar variation 2678789 (VCV002678789.3), dbSNP rs2532139003, ClinGen allele CA360809417.

ClinVar aggregate classification (germline): Likely pathogenic. Review status: criteria provided, multiple submitters, no conflicts (2 of 4 stars). 2 submissions from 2 submitters: Likely pathogenic (2). Last evaluated 2024-10-10.

Conditions:
Renal carnitine transport defect (CDSP). Also called: Carnitine Deficiency, Systemic; Systemic primary carnitine deficiency; Carnitine transporter deficiency; Primary carnitine deficiency; Systemic primary carnitine deficiency disease; CARNITINE DEFICIENCY, SYSTEMIC, DUE TO DEFECT IN RENAL REABSORPTION OF CARNITINE. Identifiers: Orphanet 158, MedGen C0342788, MONDO:0008919, OMIM 212140.

Submissions (2):

Labcorp Genetics (formerly Invitae), Labcorp
Classification: Likely pathogenic for Renal carnitine transport defect. Last evaluated: 2024-10-10. Review status: criteria provided, single submitter. Criteria: Invitae Variant Classification Sherloc (09022015). Collection method: clinical testing. Allele origin: germline.
Comment: This sequence change affects a donor splice site in intron 8 of the SLC22A5 gene. It is expected to disrupt RNA splicing. Variants that disrupt the donor or acceptor splice site typically lead to a loss of protein function (PMID: 16199547), and loss-of-function variants in SLC22A5 are known to be pathogenic (PMID: 9916797). This variant is not present in population databases (gnomAD no frequency). This variant has not been reported in the literature in individuals affected with SLC22A5-related conditions. Algorithms developed to predict the effect of sequence changes on RNA splicing suggest that this variant may disrupt the consensus splice site. In summary, the currently available evidence indicates that the variant is pathogenic, but additional data are needed to prove that conclusively. Therefore, this variant has been classified as Likely Pathogenic.

Baylor Genetics
Classification: Likely pathogenic for Renal carnitine transport defect. Last evaluated: 2023-08-12. Review status: criteria provided, single submitter. Criteria: ACMG Guidelines, 2015. Collection method: clinical testing. Allele origin: unknown.

Literature cited by the submitters: PubMed 16199547 (cited by Labcorp Genetics (formerly Invitae), Labcorp); PubMed 9916797 (cited by Labcorp Genetics (formerly Invitae), Labcorp).